The following is an entry in ClinVar:

ClinVar aggregate classification (germline): Uncertain significance (1 of 4 stars; one submission).

Conditions:
Hereditary cancer-predisposing syndrome. Also called: Tumor predisposition; Hereditary Cancer Syndrome; Neoplastic Syndromes, Hereditary; Hereditary neoplastic syndrome. Identifiers: Orphanet 140162, MedGen C0027672, MeSH D009386, MONDO:0015356.

Submission:

Ambry Genetics
Classification: Uncertain significance for Hereditary cancer-predisposing syndrome. Last evaluated: 2021-02-04. Review status: criteria provided, single submitter. Criteria: Ambry Variant Classification Scheme 2023. Collection method: clinical testing. Allele origin: germline.
Comment: The p.M900L variant (also known as c.2698A>T), located in coding exon 17 of the ATM gene, results from an A to T substitution at nucleotide position 2698. The methionine at codon 900 is replaced by leucine, an amino acid with highly similar properties. This amino acid position is well conserved in available vertebrate species. In addition, this alteration is predicted to be tolerated by in silico analysis. Since supporting evidence is limited at this time, the clinical significance of this alteration remains unclear.

NM_000051.4(ATM):c.2698A>T (p.Met900Leu)

Gene: ATM (ATM serine/threonine kinase; plus strand). Cytogenetic location: 11q22.3.
Variant type: single nucleotide variant.
Coding change: c.2698A>T on transcript NM_000051.4 (MANE Select); coding-DNA position 2698, A replaced by T.
Protein change: p.Met900Leu; replaces methionine 900 with leucine.
Molecular consequence: missense variant.
Genome position (GRCh38, 1-based): chr11:108,268,469, A>T. VCF-style: chr11-108268469-A-T. GRCh37 (hg19) VCF-style: chr11-108139196-A-T.
Other names: c.2698A>T, p.Met900Leu (NM_001351834.2); short protein forms M900L.
Identifiers: ClinVar variation 1794862 (VCV001794862.2), dbSNP rs138468963, ClinGen allele CA382545217.